The following is an entry in ClinVar:

NM_025114.4(CEP290):c.753G>T (p.Glu251Asp)

Gene: CEP290 (centrosomal protein 290; minus strand). Cytogenetic location: 12q21.32.
Variant type: single nucleotide variant.
Coding change: c.753G>T on transcript NM_025114.4 (MANE Select); coding-DNA position 753, G replaced by T.
Protein change: p.Glu251Asp; replaces glutamic acid 251 with aspartic acid.
Molecular consequence: missense variant.
Genome position (GRCh38, 1-based): chr12:88,129,793, C>A on the plus strand (G>T on the coding strand, the complement: CEP290 is on the minus strand). VCF-style: chr12-88129793-C-A. GRCh37 (hg19) VCF-style: chr12-88523570-C-A.
Other names: short protein forms E251D.
Identifiers: ClinVar variation 954009 (VCV000954009.9), dbSNP rs2039957080, ClinGen allele CA385985464.
Genomic context (GRCh38, chr12:88,129,793, plus strand): 5'-TATTACATTATCTGTCTGATGCACAATAGCTTTCATTCTATTATATTCATCAGTCATCTT[C>A]TCCATTTCCTGTACAGACTCTTCTAAATTTTTTCTCATTTCTTGATTCTGAACTTCAATT-3'
Protein context (NP_079390.3, residues 241-261): KNLEESVQEM[Glu251Asp]KMTDEYNRMK

ClinVar aggregate classification (germline): Uncertain significance. Review status: criteria provided, multiple submitters, no conflicts (2 of 4 stars). 3 submissions from 3 submitters: Uncertain significance (2). 1 of the submissions does not count toward it. Last evaluated 2024-12-10.

Conditions:
Leber congenital amaurosis (LCA). Also called: Leber's amaurosis. Identifiers: Orphanet 65, MedGen C0339527, MeSH D057130, MONDO:0018998.
Nephronophthisis. Also called: Juvenile Nephronophthisis. Identifiers: Orphanet 655, MedGen C0687120, MONDO:0019005, HP:0000090.
Meckel-Gruber syndrome. Also called: DYSENCEPHALIA SPLANCHNOCYSTICA; Dysencephalia splachnocystica; GRUBER SYNDROME. Identifiers: Orphanet 564, MedGen C0265215, MONDO:0018921.
Joubert syndrome. Also called: Familial aplasia of the vermis; JOUBERT-BOLTSHAUSER SYNDROME. Identifiers: Orphanet 475, MedGen C5979921, MONDO:0018772.
CEP290-related disorder. Also called: CEP290-related condition; CEP290-related disorders. Identifiers: MedGen CN239314.

Allele frequency attached by ClinVar (database versions not stated): gnomAD exomes 0.00001.
gnomAD v4.1: 5 of 1,482,512 alleles (0.00034%); highest among the groups gnomAD compares: Non-Finnish European, 0.00045%; no homozygotes.

Submissions (3):

PreventionGenetics, part of Exact Sciences
Classification: Uncertain significance for CEP290-related condition. Last evaluated: 2024-12-10. Review status: criteria provided, single submitter. Criteria: ACMG Guidelines, 2015. Collection method: clinical testing. Allele origin: germline.
Comment: The CEP290 c.753G>T variant is predicted to result in the amino acid substitution p.Glu251Asp. To our knowledge, this variant has not been reported in the literature or in a large population database (gnomAD), indicating this variant is rare. At this time, the clinical significance of this variant is uncertain due to the absence of conclusive functional and genetic evidence.

Labcorp Genetics (formerly Invitae), Labcorp
Classification: Uncertain significance for Joubert syndrome; Meckel-Gruber syndrome; Nephronophthisis. Last evaluated: 2022-06-04. Review status: criteria provided, single submitter. Criteria: Invitae Variant Classification Sherloc (09022015). Collection method: clinical testing. Allele origin: germline.
Comment: This sequence change replaces glutamic acid, which is acidic and polar, with aspartic acid, which is acidic and polar, at codon 251 of the CEP290 protein (p.Glu251Asp). This variant is not present in population databases (gnomAD no frequency). This variant has not been reported in the literature in individuals affected with CEP290-related conditions. ClinVar contains an entry for this variant (Variation ID: 954009). Algorithms developed to predict the effect of missense changes on protein structure and function are either unavailable or do not agree on the potential impact of this missense change (SIFT: "Tolerated"; PolyPhen-2: "Probably Damaging"; Align-GVGD: "Class C0"). In summary, the available evidence is currently insufficient to determine the role of this variant in disease. Therefore, it has been classified as a Variant of Uncertain Significance.

Natera, Inc.
Classification: Uncertain significance for Leber congenital amaurosis. Last evaluated: 2020-12-18. Review status: no assertion criteria provided. Collection method: clinical testing. Allele origin: germline. Not counted in ClinVar's aggregate classification.